The following is an entry in ClinVar:

NM_024675.4(PALB2):c.719del (p.Pro240fs)

Gene: PALB2 (partner and localizer of BRCA2; minus strand). Cytogenetic location: 16p12.2.
Variant type: Deletion.
Coding change: c.719del on transcript NM_024675.4 (MANE Select); coding-DNA position 719, one base deleted (C; older notation c.719delC).
Protein change: p.Pro240fs; shifts the reading frame from proline 240.
Molecular consequence: frameshift variant. On other transcripts: 5 prime UTR variant (8), intron variant (3).
Genome position (GRCh38, 1-based): chr16:23,635,827, G deleted on the plus strand (C on the coding strand, the reverse complement: PALB2 is on the minus strand); the first of 2 consecutive G bases (chr16:23,635,827-23,635,828); deleting either gives the same sequence. VCF-style (leftmost placement, unchanged base first): chr16-23635826-AG-A. GRCh37 (hg19) VCF-style: chr16-23647147-AG-A.
Other names: c.719del, p.Pro240fs (NM_001407298.1, NM_001407299.1, NM_001407300.1 and 3 more transcripts); c.-167del (NM_001407304.1, NM_001407305.1, NM_001407306.1 and 5 more transcripts); c.48+5283del (NM_001407314.1); c.-105+5283del (NM_001407313.1, NM_001407312.1); c.659del, p.Pro220fs (NM_001407296.1); short protein forms P240fs, P220fs.
Identifiers: ClinVar variation 4735455 (VCV004735455.1).

ClinVar aggregate classification (germline): Pathogenic (1 of 4 stars; one submission).

Conditions:
Familial cancer of breast. Also called: hereditary breast carcinoma; BREAST CANCER, FAMILIAL; Hereditary breast cancer. Identifiers: Orphanet 227535, MedGen C0346153, MONDO:0016419, OMIM 114480. Disease mechanism: loss of function.

Submission:

Labcorp Genetics (formerly Invitae), Labcorp
Classification: Pathogenic for Familial cancer of breast. Last evaluated: 2026-01-16. Review status: criteria provided, single submitter. Criteria: Invitae Variant Classification Sherloc (09022015). Collection method: clinical testing. Allele origin: germline.
Comment: This sequence change creates a premature translational stop signal (p.Pro240Leufs*39) in the PALB2 gene. It is expected to result in an absent or disrupted protein product. Loss-of-function variants in PALB2 are known to be pathogenic (PMID: 17200668, 17200671, 17200672, 24136930, 25099575). This variant is not present in population databases (gnomAD no frequency). This variant has not been reported in the literature in individuals affected with PALB2-related conditions. For these reasons, this variant has been classified as Pathogenic.

Literature cited by the submitters: PubMed 17200668; PubMed 17200671; PubMed 17200672; PubMed 24136930; PubMed 25099575.